The following is an entry in ClinVar:

ClinVar aggregate classification (germline): Uncertain significance (1 of 4 stars; one submission).

Submission:

Women's Health and Genetics/Laboratory Corporation of America, LabCorp
Classification: Uncertain significance. Last evaluated: 2021-02-19. Review status: criteria provided, single submitter. Criteria: LabCorp Variant Classification Summary - May 2015. Collection method: clinical testing. Allele origin: germline.
Comment: Variant summary: GJB2 c.-12C>T is located in exon 2 in the untranslated mRNA region upstream of the initiation codon. 4/4 computational tools predict no significant impact on normal splicing. However, these predictions have yet to be confirmed by functional studies. The variant was absent in 249000 control chromosomes (gnomAD). The available data on variant occurrences in the general population are insufficient to allow any conclusion about variant significance. c.-12C>T has been reported in the literature in 2 alleles from a large cohort of individuals affected with hearing loss, however without providing supporting evidence for causality (Putcha_2007). This report does not provide unequivocal conclusions about association of the variant with Non-Syndromic Hearing Loss. To our knowledge, no experimental evidence demonstrating an impact on protein function has been reported. No clinical diagnostic laboratories have submitted clinical-significance assessments for this variant to ClinVar after 2014. Based on the evidence outlined above, the variant was classified as uncertain significance.

Literature cited by the submitters: PubMed 17666888.

NM_004004.6(GJB2):c.-12C>T

Gene: GJB2 (gap junction protein beta 2; minus strand). Cytogenetic location: 13q12.11.
Variant type: single nucleotide variant.
Coding change: c.-12C>T on transcript NM_004004.6 (MANE Select); 12 bases upstream of the start codon, C replaced by T.
Molecular consequence: 5 prime UTR variant.
Genome position (GRCh38, 1-based): chr13:20,189,593, G>A on the plus strand (C>T on the coding strand, the complement: GJB2 is on the minus strand). VCF-style: chr13-20189593-G-A. GRCh37 (hg19) VCF-style: chr13-20763732-G-A.
Identifiers: ClinVar variation 997856 (VCV000997856.1), dbSNP rs1959064381, ClinGen allele CA2077110164.
Genomic context (GRCh38, chr13:20,189,593, plus strand): 5'-AGTGTTTGTTCACACCCCCCAGGATCGTCTGCAGCGTGCCCCAATCCATCTTCTACTCTG[G>A]GCGGTTTGCTCTGGAAAAGACGAATGCACACAACACAGGAATCACTAGCTAGGACAGAAC-3'